The following is an entry in ClinVar:

NM_006516.4(SLC2A1):c.1112C>T (p.Ala371Val)

Gene: SLC2A1 (solute carrier family 2 member 1; minus strand). Cytogenetic location: 1p34.2.
Variant type: single nucleotide variant.
Coding change: c.1112C>T on transcript NM_006516.4 (MANE Select); coding-DNA position 1112, C replaced by T.
Protein change: p.Ala371Val; replaces alanine 371 with valine.
Molecular consequence: missense variant.
Genome position (GRCh38, 1-based): chr1:42,927,771, G>A on the plus strand (C>T on the coding strand, the complement: SLC2A1 is on the minus strand). VCF-style: chr1-42927771-G-A. GRCh37 (hg19) VCF-style: chr1-43393442-G-A.
Other names: short protein forms A371V.
Identifiers: ClinVar variation 570078 (VCV000570078.10), dbSNP rs1338947760, ClinGen allele CA339954246.
Genomic context (GRCh38, chr1:42,927,771, plus strand): 5'-ACGATGAACCATGGGATGGGGCCAGGACCCACTTCAAAGAAGGCCACAAAGCCAAAGATG[G>A]CCACGATGCTCAGATAGGACATCCAGGGTAGCTGCTCCTGTTGAGGATGACGGAGAGGGG-3'
Protein context (NP_006507.2, residues 361-381): LPWMSYLSIV[Ala371Val]IFGFVAFFEV

ClinVar aggregate classification (germline): Uncertain significance (1 of 4 stars; one submission).

Conditions:
GLUT1 deficiency syndrome 1, autosomal recessive. Identifiers: MedGen C3149117.

Submission:

Labcorp Genetics (formerly Invitae), Labcorp
Classification: Uncertain significance for GLUT1 deficiency syndrome 1, autosomal recessive. Last evaluated: 2018-07-12. Review status: criteria provided, single submitter. Criteria: Invitae Variant Classification Sherloc (09022015). Collection method: clinical testing. Allele origin: germline.
Comment: This sequence change replaces alanine with valine at codon 371 of the SLC2A1 protein (p.Ala371Val). The alanine residue is moderately conserved and there is a small physicochemical difference between alanine and valine. This variant is not present in population databases (ExAC no frequency). This variant has not been reported in the literature in individuals with SLC2A1-related disease. Algorithms developed to predict the effect of missense changes on protein structure and function are either unavailable or do not agree on the potential impact of this missense change (SIFT: "Tolerated"; PolyPhen-2: "Possibly Damaging"; Align-GVGD: "Class C0"). In summary, the available evidence is currently insufficient to determine the role of this variant in disease. Therefore, it has been classified as a Variant of Uncertain Significance.